The following is an entry in ClinVar:

ClinVar aggregate classification (germline): Uncertain significance. Review status: criteria provided, multiple submitters, no conflicts (2 of 4 stars). 4 submissions from 4 submitters: Uncertain significance (4). Last evaluated 2024-01-29.

Conditions:
Hereditary cancer-predisposing syndrome. Also called: Hereditary Cancer Syndrome; Hereditary neoplastic syndrome; Neoplastic Syndromes, Hereditary; Tumor predisposition. Identifiers: Orphanet 140162, MedGen C0027672, MeSH D009386, MONDO:0015356.
Breast-ovarian cancer, familial, susceptibility to, 1 (BROVCA1). Also called: OVARIAN CANCER, SUSCEPTIBILITY TO; BRCA1 Hereditary Breast and Ovarian Cancer. Identifiers: Orphanet 145, MedGen C2676676, MONDO:0011450, OMIM 604370. Disease mechanism: loss of function.

Submissions (4):

Quest Diagnostics Nichols Institute San Juan Capistrano
Classification: Uncertain significance. Last evaluated: 2024-01-29. Review status: criteria provided, single submitter. Criteria: Quest Diagnostics criteria. Collection method: clinical testing. Allele origin: unknown.
Comment: The BRCA1 c.4981_4983del (p.Glu1661del) variant has not been reported in individuals with BRCA1-related conditions in the published literature. It also has not been reported in large, multi-ethnic general populations (Genome Aggregation Database). Based on the available information, we are unable to determine the clinical significance of this variant.

Baylor Genetics
Classification: Uncertain significance for Breast-ovarian cancer, familial, susceptibility to, 1. Last evaluated: 2023-05-02. Review status: criteria provided, single submitter. Criteria: ACMG Guidelines, 2015. Collection method: clinical testing. Allele origin: unknown.

Ambry Genetics
Classification: Uncertain significance for Hereditary cancer-predisposing syndrome. Last evaluated: 2019-12-12. Review status: criteria provided, single submitter. Criteria: Ambry Variant Classification Scheme 2023. Collection method: clinical testing. Allele origin: germline.
Comment: The c.4981_4983delGAA variant (also known as p.E1661del) is located in coding exon 14 of the BRCA1 gene. This variant results from an in-frame GAA deletion at nucleotide positions 4981 to 4983. This results in the in-frame deletion of a glutamic acid residue at codon 1661. This amino acid position is highly conserved in available vertebrate species. In addition, this alteration is predicted to be neutral by in silico analysis (Choi Y et al. PLoS ONE. 2012; 7(10):e46688). Since supporting evidence is limited at this time, the clinical significance of this alteration remains unclear.

Neuberg Centre For Genomic Medicine, NCGM
Classification: Uncertain significance for Breast-ovarian cancer, familial, susceptibility to, 1. Review status: criteria provided, single submitter. Criteria: ACMG Guidelines, 2015. Collection method: clinical testing. Allele origin: germline. Inheritance: Autosomal dominant inheritance. Affected: yes.
Comment: The observed inframe deletion c.4981_4983del(p.Glu1661del) variant in BRCA1 gene has not been reported previously as a pathogenic variant nor a benign variant, to our knowledge. The p.Glu1661del variant is absent in gnomAD Exomes. This variant has been submitted to the ClinVar database as Uncertain Significance. This p.Glu1661del causes deletion of amino acid Glutamic Acid at position 1661. For these reasons, this variant has been classified as a Variant of Uncertain Significance (VUS).

NM_007294.4(BRCA1):c.4978GAA[1] (p.Glu1661del)

Gene: BRCA1 (BRCA1 DNA repair associated; minus strand). Cytogenetic location: 17q21.31.
Variant type: Microsatellite.
Coding change: c.4978GAA[1] on transcript NM_007294.4 (MANE Select); one copy of the 3-base unit GAA starting at c.4978; the reference has two copies in a row; one copy, 3 bases deleted; also written c.4981_4983del.
Protein change: p.Glu1661del; deletes glutamic acid 1661.
Molecular consequence: inframe deletion. On other transcripts: inframe indel (366), non-coding transcript variant (1).
Genome position (GRCh38, 1-based): chr17:43,070,931-43,070,933, TTC deleted on the plus strand (GAA on the coding strand, the reverse complement: BRCA1 is on the minus strand); deleting any 3 consecutive bases within chr17:43,070,931-43,070,937 gives the same sequence; the position shown is the placement nearest the transcript's 3' end. VCF-style (leftmost placement, unchanged base first): chr17-43070930-ATTC-A. GRCh37 (hg19) VCF-style: chr17-41222947-ATTC-A.
Other names: c.4981_4983delGAA (NM_007294.3); c.4638_4640AGA[1], p.Glu1548del (NM_001407956.1, NM_001407957.1, NM_001407958.1); c.4596_4598AGA[1], p.Glu1534del (NM_001407959.1); c.4593_4595AGA[1], p.Glu1533del (NM_001407960.1, NM_001407962.1); c.4590_4592AGA[1], p.Glu1532del (NM_001407963.1); c.4515_4517AGA[1], p.Glu1507del (NM_001407964.1); c.4470_4472AGA[1], p.Glu1492del (NM_001407965.1); c.4089_4091AGA[1], p.Glu1365del (NM_001407966.1); and 75 more; short protein forms E1682del, E1661del, E1614del, E557del, E1492del, E1548del, E1592del, E1633del.
Identifiers: ClinVar variation 825341 (VCV000825341.8), dbSNP rs1597830200, ClinGen allele CA915950101.